The following is an entry in ClinVar:

ClinVar aggregate classification (germline): Uncertain significance (1 of 4 stars; one submission).

Submission:

Labcorp Genetics (formerly Invitae), Labcorp
Classification: Uncertain significance. Last evaluated: 2022-02-20. Review status: criteria provided, single submitter. Criteria: Invitae Variant Classification Sherloc (09022015). Collection method: clinical testing. Allele origin: germline.
Comment: In summary, the available evidence is currently insufficient to determine the role of this variant in disease. Therefore, it has been classified as a Variant of Uncertain Significance. This variant has not been reported in the literature in individuals affected with RASA2-related conditions. This variant is not present in population databases (gnomAD no frequency). This sequence change creates a premature translational stop signal (p.His371Metfs*14) in the RASA2 gene. It is expected to result in an absent or disrupted protein product. However, the current clinical and genetic evidence is not sufficient to establish whether loss-of-function variants in RASA2 cause disease.

NM_006506.5(RASA2):c.1111del (p.His371fs)

Gene: RASA2 (RAS p21 protein activator 2; plus strand). Cytogenetic location: 3q23.
Variant type: Deletion.
Coding change: c.1111del on transcript NM_006506.5 (MANE Select); coding-DNA position 1111, one base deleted (C; older notation c.1111delC).
Protein change: p.His371fs; shifts the reading frame from histidine 371.
Molecular consequence: frameshift variant.
Genome position (GRCh38, 1-based): chr3:141,571,496, C deleted; the last of 2 consecutive C bases (chr3:141,571,495-141,571,496); deleting either gives the same sequence. VCF-style (leftmost placement, unchanged base first): chr3-141571494-AC-A. GRCh37 (hg19) VCF-style: chr3-141290336-AC-A.
Other names: c.1111del, p.His371fs (NM_001303245.3, NM_001303246.3); short protein forms H371fs.
Identifiers: ClinVar variation 2100644 (VCV002100644.4), dbSNP rs2478713757, ClinGen allele CA2580068882.
Genomic context (GRCh38, chr3:141,571,494, plus strand): 5'-TGAGTGAAATATGTCGAGATAAAAATGATGCTGTTTTGCCCCTTGTACGACTGCTGCTGC[AC>A]CATGATAAACTTGTTCCTTTTGCCACTGCTGTGGCTGAATTAGACTTGAAGGATACACAG-3'